The following is an entry in ClinVar:

ClinVar aggregate classification (germline): Likely benign (1 of 4 stars; one submission).

Allele frequency attached by ClinVar (database versions not stated): gnomAD 0.00305; TOPMed 0.00324; 1000 Genomes Project 30x 0.00453; 1000 Genomes Project 0.00479.

Submission:

CeGaT Center for Human Genetics Tuebingen
Classification: Likely benign. Last evaluated: 2023-05-01. Review status: criteria provided, single submitter. Criteria: CeGaT Center For Human Genetics Tuebingen Variant Classification Criteria Version 2. Collection method: clinical testing. Allele origin: germline. Affected: yes. Observed: 1 variant allele.
Comment: ENSG00000254837: BS1

NR_171028.1(LIPT2-AS1):n.420G>T

Genes: LIPT2-AS1 (LIPT2 antisense RNA 1; plus strand), LOC130006412 (ATAC-STARR-seq lymphoblastoid silent region 3754; plus strand). Cytogenetic location: 11q13.4.
Variant type: single nucleotide variant.
Molecular consequence: non-coding transcript variant (on NR_171028.1).
Genome position: GRCh38 VCF-style: chr11-74493799-G-T. GRCh37 (hg19) VCF-style: chr11-74204844-G-T.
Identifiers: ClinVar variation 2642149 (VCV002642149.23), dbSNP rs554856729, ClinGen allele CA224979368.